The following is an entry in ClinVar:

ClinVar aggregate classification (germline): Likely benign (1 of 4 stars; one submission).

Submission:

CeGaT Center for Human Genetics Tuebingen
Classification: Likely benign. Last evaluated: 2026-09-01. Review status: criteria provided, single submitter. Criteria: CeGaT Center For Human Genetics Tuebingen Variant Classification Criteria Version 2. Collection method: clinical testing. Allele origin: germline. Affected: yes. Observed: 3 variant alleles.
Comment: REXO1L1P: BP4, BP7

NC_000008.11:g.85662583G>C

Variant type: single nucleotide variant.
Genome position: GRCh38 VCF-style: chr8-85662583-G-C. GRCh37 (hg19) VCF-style: chr8-86574812-G-C.
Identifiers: ClinVar variation 4872670 (VCV004872670.2).